The following is an entry in ClinVar:

ClinVar aggregate classification (germline): Uncertain significance. Review status: criteria provided, multiple submitters, no conflicts (2 of 4 stars). 2 submissions from 2 submitters: Uncertain significance (2). Last evaluated 2025-09-14.

Conditions:
NPHP1-related disorder. Also called: NPHP1-related disorders; NPHP1-related condition.
Nephronophthisis. Also called: Juvenile Nephronophthisis. Identifiers: Orphanet 655, MedGen C0687120, MONDO:0019005, HP:0000090.

Allele frequency attached by ClinVar (database versions not stated): gnomAD 0.00001; TOPMed 0.00001; ExAC 0.00002; gnomAD exomes 0.00002.
gnomAD v4.1: 26 of 1,609,646 alleles (0.0016%); highest among the groups gnomAD compares: Non-Finnish European, 0.0021%; no homozygotes.

Submissions (2):

PreventionGenetics, part of Exact Sciences
Classification: Uncertain significance for NPHP1-related condition. Last evaluated: 2025-09-14. Review status: criteria provided, single submitter. Criteria: ACMG Guidelines, 2015. Collection method: clinical testing. Allele origin: germline.
Comment: The NPHP1 c.1186C>T variant is predicted to result in the amino acid substitution p.Leu396Phe. This variant has been reported in the homozygous state in an individual with Joubert syndrome (Ying et al. 2022. PubMed ID: 35858853). This variant is present in 0.0054% of alleles in individuals of European (Non-Finnish) descent in gnomAD. Although we suspect that this variant may be pathogenic, at this time, the clinical significance of this variant is uncertain due to the absence of conclusive functional and genetic evidence.

Labcorp Genetics (formerly Invitae), Labcorp
Classification: Uncertain significance for Nephronophthisis. Last evaluated: 2024-02-24. Review status: criteria provided, single submitter. Criteria: Invitae Variant Classification Sherloc (09022015). Collection method: clinical testing. Allele origin: germline.
Comment: This sequence change replaces leucine, which is neutral and non-polar, with phenylalanine, which is neutral and non-polar, at codon 396 of the NPHP1 protein (p.Leu396Phe). The frequency data for this variant in the population databases is considered unreliable, as metrics indicate poor data quality at this position in the gnomAD database. This missense change has been observed in individual(s) with Joubert syndrome (PMID: 35858853). ClinVar contains an entry for this variant (Variation ID: 1368653). Advanced modeling of protein sequence and biophysical properties (such as structural, functional, and spatial information, amino acid conservation, physicochemical variation, residue mobility, and thermodynamic stability) performed at Invitae indicates that this missense variant is not expected to disrupt NPHP1 protein function with a negative predictive value of 80%. In summary, the available evidence is currently insufficient to determine the role of this variant in disease. Therefore, it has been classified as a Variant of Uncertain Significance.

Literature cited by the submitters: PubMed 35858853 (cited by Labcorp Genetics (formerly Invitae), Labcorp).

NM_001128178.3(NPHP1):c.1018C>T (p.Leu340Phe)

Gene: NPHP1 (nephrocystin 1; minus strand). Cytogenetic location: 2q13.
Variant type: single nucleotide variant.
Coding change: c.1018C>T on transcript NM_001128178.3 (MANE Select); coding-DNA position 1018, C replaced by T.
Protein change: p.Leu340Phe; replaces leucine 340 with phenylalanine.
Molecular consequence: missense variant.
Genome position (GRCh38, 1-based): chr2:110,160,192, G>A on the plus strand (C>T on the coding strand, the complement: NPHP1 is on the minus strand). VCF-style: chr2-110160192-G-A. GRCh37 (hg19) VCF-style: chr2-110917769-G-A.
Other names: c.1186C>T, p.Leu396Phe (NM_000272.5); c.829C>T, p.Leu277Phe (NM_001128179.3); c.1015C>T, p.Leu339Phe (NM_001374256.1); c.1018C>T, p.Leu340Phe (NM_001374257.1); c.1183C>T, p.Leu395Phe (NM_207181.4); c.1186C>T (NM_000272.3); short protein forms L340F, L395F, L396F, L277F, L339F.
Identifiers: ClinVar variation 1368653 (VCV001368653.8), dbSNP rs777385746, ClinGen allele CA1827146.